The following is an entry in ClinVar:

NM_001271.4(CHD2):c.4906+1G>T

Gene: CHD2 (chromodomain helicase DNA binding protein 2; plus strand). Cytogenetic location: 15q26.1.
Variant type: single nucleotide variant.
Coding change: c.4906+1G>T on transcript NM_001271.4 (MANE Select); the canonical splice donor site of the intron after coding-DNA position 4906, G replaced by T.
Molecular consequence: splice donor variant.
Genome position (GRCh38, 1-based): chr15:93,014,910, G>T. VCF-style: chr15-93014910-G-T. GRCh37 (hg19) VCF-style: chr15-93558140-G-T.
Identifiers: ClinVar variation 1517199 (VCV001517199.8), dbSNP rs2141888378, ClinGen allele CA393906963.
Genomic context (GRCh38, chr15:93,014,910, plus strand): 5'-TGCATGGACACCCAAGAGATAACTACAATCACCCCAACAAGAGACACTTCAGTAATGCAG[G>T]TAGGTCATTAAGTGGAGTTTTTAAAAGAGGTGCCAAAAGATAAAAAATTCACACAGCCGT-3'

ClinVar aggregate classification (germline): Likely pathogenic (1 of 4 stars; one submission).

Conditions:
Developmental and epileptic encephalopathy 94 (DEE94). Also called: CHD2-Related Neurodevelopmental Disorders; Epileptic encephalopathy, childhood-onset. Identifiers: Orphanet 1942, Orphanet 2382, MedGen C3809278, MONDO:0014150, OMIM 615369.

Submission:

Labcorp Genetics (formerly Invitae), Labcorp
Classification: Likely pathogenic for Developmental and epileptic encephalopathy 94. Last evaluated: 2021-04-17. Review status: criteria provided, single submitter. Criteria: Invitae Variant Classification Sherloc (09022015). Collection method: clinical testing. Allele origin: germline.
Comment: Algorithms developed to predict the effect of sequence changes on RNA splicing suggest that this variant may disrupt the consensus splice site, but this prediction has not been confirmed by published transcriptional studies. In summary, the currently available evidence indicates that the variant is pathogenic, but additional data are needed to prove that conclusively. Therefore, this variant has been classified as Likely Pathogenic. This variant has not been reported in the literature in individuals with CHD2-related conditions. This sequence change affects a donor splice site in intron 37 of the CHD2 gene. It is expected to disrupt RNA splicing. Variants that disrupt the donor or acceptor splice site typically lead to a loss of protein function (PMID: 16199547), and loss-of-function variants in CHD2 are known to be pathogenic (PMID: 23708187, 24207121). This variant is not present in population databases (ExAC no frequency).

Literature cited by the submitters: PubMed 16199547; PubMed 23708187; PubMed 24207121.